The following is an entry in ClinVar:

NM_000051.4(ATM):c.4213T>G (p.Leu1405Val)

Gene: ATM (ATM serine/threonine kinase; plus strand). Cytogenetic location: 11q22.3.
Variant type: single nucleotide variant.
Coding change: c.4213T>G on transcript NM_000051.4 (MANE Select); coding-DNA position 4213, T replaced by G.
Protein change: p.Leu1405Val; replaces leucine 1405 with valine.
Molecular consequence: missense variant.
Genome position (GRCh38, 1-based): chr11:108,289,080, T>G. VCF-style: chr11-108289080-T-G. GRCh37 (hg19) VCF-style: chr11-108159807-T-G.
Other names: c.4213T>G, p.Leu1405Val (NM_001351834.2); short protein forms L1405V.
Identifiers: ClinVar variation 2568195 (VCV002568195.2), dbSNP rs2135753333, ClinGen allele CA382530493.
Genomic context (GRCh38, chr11:108,289,080, plus strand): 5'-GTGATTAAAGCAACATTTGCCTATATCAGCAATTGTCATAAAACCAAGTTAAAAAGCATT[T>G]TAGAAATTCTTTCCAAAAGCCCTGTAAGTATACATGATGAGTTTAATAATAGAACATTCC-3'
Protein context (NP_000042.3, residues 1395-1415): NCHKTKLKSI[Leu1405Val]EILSKSPDSY

ClinVar aggregate classification (germline): Uncertain significance (1 of 4 stars; one submission).

Conditions:
Hereditary cancer-predisposing syndrome. Also called: Hereditary neoplastic syndrome; Hereditary Cancer Syndrome; Neoplastic Syndromes, Hereditary; Tumor predisposition. Identifiers: Orphanet 140162, MedGen C0027672, MeSH D009386, MONDO:0015356.

Submission:

Ambry Genetics
Classification: Uncertain significance for Hereditary cancer-predisposing syndrome. Last evaluated: 2023-05-05. Review status: criteria provided, single submitter. Criteria: Ambry Variant Classification Scheme 2023. Collection method: clinical testing. Allele origin: germline.
Comment: The p.L1405V variant (also known as c.4213T>G), located in coding exon 27 of the ATM gene, results from a T to G substitution at nucleotide position 4213. The leucine at codon 1405 is replaced by valine, an amino acid with highly similar properties. This amino acid position is not well conserved in available vertebrate species. In addition, this alteration is predicted to be tolerated by in silico analysis. Since supporting evidence is limited at this time, the clinical significance of this alteration remains unclear.